The following is an entry in ClinVar:

NM_000428.3(LTBP2):c.566-1G>A

Gene: LTBP2 (latent transforming growth factor beta binding protein 2; minus strand). Cytogenetic location: 14q24.3.
Variant type: single nucleotide variant.
Coding change: c.566-1G>A on transcript NM_000428.3 (MANE Select); the canonical splice acceptor site of the intron before coding-DNA position 566, G replaced by A.
Molecular consequence: splice acceptor variant.
Genome position (GRCh38, 1-based): chr14:74,586,119, C>T on the plus strand (G>A on the coding strand, the complement: LTBP2 is on the minus strand). VCF-style: chr14-74586119-C-T. GRCh37 (hg19) VCF-style: chr14-75052822-C-T.
Identifiers: ClinVar variation 3617851 (VCV003617851.3).

ClinVar aggregate classification (germline): Likely pathogenic (1 of 4 stars; one submission).

gnomAD v4.1: 3 of 1,592,036 alleles (0.00019%); highest among the groups gnomAD compares: Non-Finnish European, 0.00026%; no homozygotes.

Submissions (2):

Labcorp Genetics (formerly Invitae), Labcorp
Classification: Likely pathogenic. Last evaluated: 2024-07-21. Review status: criteria provided, single submitter. Criteria: Invitae Variant Classification Sherloc (09022015). Collection method: clinical testing. Allele origin: germline.
Comment: This sequence change affects an acceptor splice site in intron 2 of the LTBP2 gene. It is expected to disrupt RNA splicing. Variants that disrupt the donor or acceptor splice site typically lead to a loss of protein function (PMID: 16199547), and loss-of-function variants in LTBP2 are known to be pathogenic (PMID: 19361779, 19656777, 22025892). The frequency data for this variant in the population databases is considered unreliable, as metrics indicate poor data quality at this position in the gnomAD database. This variant has not been reported in the literature in individuals affected with LTBP2-related conditions. Algorithms developed to predict the effect of sequence changes on RNA splicing suggest that this variant may disrupt the consensus splice site. In summary, the currently available evidence indicates that the variant is pathogenic, but additional data are needed to prove that conclusively. Therefore, this variant has been classified as Likely Pathogenic.

Dr. Peter K. Rogan Lab, Western University
No classification provided (evidence only). Condition: Cervical cancer. Review status: no classification provided. Collection method: in vitro. Allele origin: not applicable. Functional consequence: retained intron. Not counted in ClinVar's aggregate classification.

Literature cited by the submitters: PubMed 16199547 (cited by Labcorp Genetics (formerly Invitae), Labcorp); PubMed 19361779 (cited by Labcorp Genetics (formerly Invitae), Labcorp); PubMed 19656777 (cited by Labcorp Genetics (formerly Invitae), Labcorp); PubMed 22025892 (cited by Labcorp Genetics (formerly Invitae), Labcorp).